The following is an entry in ClinVar:

ClinVar aggregate classification (germline): Uncertain significance (1 of 4 stars; one submission).

Conditions:
Hereditary cancer-predisposing syndrome. Also called: Neoplastic Syndromes, Hereditary; Tumor predisposition; Hereditary neoplastic syndrome; Hereditary Cancer Syndrome. Identifiers: Orphanet 140162, MedGen C0027672, MeSH D009386, MONDO:0015356.

Submission:

Ambry Genetics
Classification: Uncertain significance for Hereditary cancer-predisposing syndrome. Last evaluated: 2024-04-15. Review status: criteria provided, single submitter. Criteria: Ambry Variant Classification Scheme 2023. Collection method: clinical testing. Allele origin: germline.
Comment: The p.C333F variant (also known as c.998G>T), located in coding exon 10 of the POLE gene, results from a G to T substitution at nucleotide position 998. The cysteine at codon 333 is replaced by phenylalanine, an amino acid with highly dissimilar properties. This amino acid position is conserved. In addition, this alteration is predicted to be tolerated by in silico analysis. Based on the available evidence, the clinical significance of this variant remains unclear.

NM_006231.4(POLE):c.998G>T (p.Cys333Phe)

Gene: POLE (DNA polymerase epsilon, catalytic subunit; minus strand). Cytogenetic location: 12q24.33.
Variant type: single nucleotide variant.
Coding change: c.998G>T on transcript NM_006231.4 (MANE Select); coding-DNA position 998, G replaced by T.
Protein change: p.Cys333Phe; replaces cysteine 333 with phenylalanine.
Molecular consequence: missense variant.
Genome position (GRCh38, 1-based): chr12:132,676,116, C>A on the plus strand (G>T on the coding strand, the complement: POLE is on the minus strand). VCF-style: chr12-132676116-C-A. GRCh37 (hg19) VCF-style: chr12-133252702-C-A.
Other names: short protein forms C333F.
Identifiers: ClinVar variation 3308381 (VCV003308381.1).